The following is an entry in ClinVar:

ClinVar aggregate classification (germline): Uncertain significance (1 of 4 stars; one submission).

Conditions:
Inborn genetic diseases. Identifiers: MedGen C0950123, MeSH D030342.

Submission:

Ambry Genetics
Classification: Uncertain significance for Inborn genetic diseases. Last evaluated: 2017-01-23. Review status: criteria provided, single submitter. Criteria: Ambry Variant Classification Scheme 2023. Collection method: clinical testing. Allele origin: germline.
Comment: The p.K1709N variant (also known as c.5127A>T), located in coding exon 20 of the ARID1B gene, results from an A to T substitution at nucleotide position 5127. The lysine at codon 1709 is replaced by asparagine, an amino acid with similar properties. This amino acid position is well conserved in available vertebrate species. In addition, this alteration is predicted to be tolerated by in silico analysis. Since supporting evidence is limited at this time, the clinical significance of this alteration remains unclear.

NM_001374828.1(ARID1B):c.5496A>T (p.Lys1832Asn)

Gene: ARID1B (AT-rich interaction domain 1B; plus strand). Cytogenetic location: 6q25.3.
Variant type: single nucleotide variant.
Coding change: c.5496A>T on transcript NM_001374828.1 (MANE Select); coding-DNA position 5496, A replaced by T.
Protein change: p.Lys1832Asn; replaces lysine 1832 with asparagine.
Molecular consequence: missense variant.
Genome position (GRCh38, 1-based): chr6:157,206,268, A>T. VCF-style: chr6-157206268-A-T. GRCh37 (hg19) VCF-style: chr6-157527402-A-T.
Other names: c.5127A>T, p.Lys1709Asn (NM_020732.3); c.2997A>T, p.Lys999Asn (NM_001363725.2); c.5376A>T, p.Lys1792Asn (NM_001371656.1, NM_001374820.1); c.5337A>T, p.Lys1779Asn (NM_017519.3); short protein forms K1709N, K999N, K1779N, K1792N, K1832N.
Identifiers: ClinVar variation 589734 (VCV000589734.5), dbSNP rs1362951381, ClinGen allele CA366245713.